The following is an entry in ClinVar:

NM_004006.3(DMD):c.1075G>T (p.Glu359Ter)

Gene: DMD (dystrophin; minus strand). Cytogenetic location: Xp21.1.
Variant type: single nucleotide variant.
Coding change: c.1075G>T on transcript NM_004006.3 (MANE Select); coding-DNA position 1075, G replaced by T.
Protein change: p.Glu359Ter; replaces glutamic acid 359 with a stop codon.
Molecular consequence: nonsense.
Genome position (GRCh38, 1-based): chrX:32,645,038, C>A on the plus strand (G>T on the coding strand, the complement: DMD is on the minus strand). VCF-style: chrX-32645038-C-A. GRCh37 (hg19) VCF-style: chrX-32663155-C-A.
Other names: c.1051G>T, p.Glu351Ter (NM_000109.4); c.1063G>T, p.Glu355Ter (NM_004009.3); c.706G>T, p.Glu236Ter (NM_004010.3); short protein forms E359*, E351*, E236*, E355*.
Identifiers: ClinVar variation 526084 (VCV000526084.13), dbSNP rs1556876346, ClinGen allele CA412661971.

ClinVar aggregate classification (germline): Pathogenic/Likely pathogenic. Review status: criteria provided, multiple submitters, no conflicts (2 of 4 stars). 2 submissions from 2 submitters: Pathogenic (1); Likely pathogenic (1). Last evaluated 2022-02-03.

Conditions:
Duchenne muscular dystrophy (DMD). Also called: Duchenne Muscular Dystrophy (DMD); MUSCULAR DYSTROPHY, PSEUDOHYPERTROPHIC PROGRESSIVE, DUCHENNE TYPE. Identifiers: Orphanet 98896, MedGen C0013264, MONDO:0010679, OMIM 310200.

Submissions (2):

Labcorp Genetics (formerly Invitae), Labcorp
Classification: Pathogenic for Duchenne muscular dystrophy. Last evaluated: 2022-02-03. Review status: criteria provided, single submitter. Criteria: Invitae Variant Classification Sherloc (09022015). Collection method: clinical testing. Allele origin: germline.
Comment: This variant is not present in population databases (gnomAD no frequency). This sequence change creates a premature translational stop signal (p.Glu359*) in the DMD gene. It is expected to result in an absent or disrupted protein product. Loss-of-function variants in DMD are known to be pathogenic (PMID: 16770791, 25007885). For these reasons, this variant has been classified as Pathogenic. ClinVar contains an entry for this variant (Variation ID: 526084). This variant has not been reported in the literature in individuals affected with DMD-related conditions.

Mayo Clinic Laboratories, Mayo Clinic
Classification: Likely pathogenic. Last evaluated: 2019-06-10. Review status: criteria provided, single submitter. Criteria: ACMG Guidelines, 2015. Collection method: clinical testing. Allele origin: germline. Observed: 1 variant allele.
Comment: PVS1, PM2

Literature cited by the submitters: PubMed 16770791 (cited by Labcorp Genetics (formerly Invitae), Labcorp); PubMed 25007885 (cited by Labcorp Genetics (formerly Invitae), Labcorp).